The following is an entry in ClinVar:

ClinVar aggregate classification (germline): Uncertain significance (1 of 4 stars; one submission).

gnomAD v4.1: 15 of 1,602,968 alleles (0.00094%); highest among the groups gnomAD compares: Non-Finnish European, 0.0011%; no homozygotes.

Submission:

Ambry Genetics
Classification: Uncertain significance. Last evaluated: 2025-01-06. Review status: criteria provided, single submitter. Criteria: Ambry Variant Classification Scheme 2023. Collection method: clinical testing. Allele origin: germline.
Comment: The p.A350S variant (also known as c.1048G>T) is located in coding exon 7 of the CTNNA3 gene. The alanine at codon 350 is replaced by serine, an amino acid with similar properties. This change occurs in the first base pair of coding exon 7. This amino acid position is conserved. In addition, this alteration is predicted to be tolerated by in silico analysis. Based on the available evidence, the clinical significance of this variant remains unclear.

NM_013266.4(CTNNA3):c.1048G>T (p.Ala350Ser)

Gene: CTNNA3 (catenin alpha 3; minus strand). Cytogenetic location: 10q21.3.
Variant type: single nucleotide variant.
Coding change: c.1048G>T on transcript NM_013266.4 (MANE Select); coding-DNA position 1048, G replaced by T.
Protein change: p.Ala350Ser; replaces alanine 350 with serine.
Molecular consequence: missense variant.
Genome position (GRCh38, 1-based): chr10:66,775,524, C>A on the plus strand (G>T on the coding strand, the complement: CTNNA3 is on the minus strand). VCF-style: chr10-66775524-C-A. GRCh37 (hg19) VCF-style: chr10-68535282-C-A.
Other names: c.1048G>T, p.Ala350Ser (NM_001127384.3); short protein forms A350S.
Identifiers: ClinVar variation 3837199 (VCV003837199.1).
Genomic context (GRCh38, chr10:66,775,524, plus strand): 5'-TCTTCTTACACATGTTGTCTAAAGCAATATTCAGGGTATTACTCCTTTCTTTTTTTCCAG[C>A]CTGCAAAGAAGAAAAAACGACATAAGCAATGGTATCAATTAATCTTTATCACTTAGCAAT-3'
Protein context (NP_037398.2, residues 340-360): QDLLSEYMNN[Ala350Ser]GKKERSNTLN